The following is an entry in ClinVar:

NM_001358530.2(MOCS1):c.7G>T (p.Ala3Ser)

Gene: MOCS1 (molybdenum cofactor synthesis 1; minus strand). Cytogenetic location: 6p21.2.
Variant type: single nucleotide variant.
Coding change: c.7G>T on transcript NM_001358530.2 (MANE Select); coding-DNA position 7, G replaced by T.
Protein change: p.Ala3Ser; replaces alanine 3 with serine.
Molecular consequence: missense variant. On other transcripts: 5 prime UTR variant (2), non-coding transcript variant (1).
Genome position (GRCh38, 1-based): chr6:39,934,411, C>A on the plus strand (G>T on the coding strand, the complement: MOCS1 is on the minus strand). VCF-style: chr6-39934411-C-A. GRCh37 (hg19) VCF-style: chr6-39902150-C-A.
Other names: c.7G>T, p.Ala3Ser (NM_001075098.4, NM_001358529.2); c.-128G>T (NM_001358531.2, NM_001358533.2); short protein forms A3S.
Identifiers: ClinVar variation 1404976 (VCV001404976.5), dbSNP rs371890945, ClinGen allele CA137623412.

ClinVar aggregate classification (germline): Uncertain significance (1 of 4 stars; one submission).

Conditions:
Sulfite oxidase deficiency due to molybdenum cofactor deficiency type A. Also called: Molybdenum cofactor deficiency, complementation group A; Molybdenum Cofactor Deficiency A. Identifiers: Orphanet 308386, Orphanet 833, MedGen C1854988, MONDO:0009643, OMIM 252150.

Allele frequency attached by ClinVar (database versions not stated): ESP Exome Variant Server 0.00011.

Submission:

Labcorp Genetics (formerly Invitae), Labcorp
Classification: Uncertain significance for Sulfite oxidase deficiency due to molybdenum cofactor deficiency type A. Last evaluated: 2021-09-02. Review status: criteria provided, single submitter. Criteria: Invitae Variant Classification Sherloc (09022015). Collection method: clinical testing. Allele origin: germline.
Comment: This sequence change replaces alanine with serine at codon 3 of the MOCS1 protein (p.Ala3Ser). The alanine residue is moderately conserved and there is a moderate physicochemical difference between alanine and serine. The frequency data for this variant in the population databases is considered unreliable, as metrics indicate insufficient coverage at this position in the ExAC database. This variant has not been reported in the literature in individuals affected with MOCS1-related conditions. Algorithms developed to predict the effect of missense changes on protein structure and function are either unavailable or do not agree on the potential impact of this missense change (SIFT: "Tolerated"; PolyPhen-2: "Not Available"; Align-GVGD: "Class C0"). In summary, the available evidence is currently insufficient to determine the role of this variant in disease. Therefore, it has been classified as a Variant of Uncertain Significance.